The following is an entry in ClinVar:

NM_000059.4(BRCA2):c.10063G>C (p.Gly3355Arg)

Gene: BRCA2 (BRCA2 DNA repair associated; plus strand). Cytogenetic location: 13q13.1.
Variant type: single nucleotide variant.
Coding change: c.10063G>C on transcript NM_000059.4 (MANE Select); coding-DNA position 10063, G replaced by C.
Protein change: p.Gly3355Arg; replaces glycine 3355 with arginine.
Molecular consequence: missense variant.
Genome position (GRCh38, 1-based): chr13:32,398,576, G>C. VCF-style: chr13-32398576-G-C. GRCh37 (hg19) VCF-style: chr13-32972713-G-C.
Other names: short protein forms G3355R.
Identifiers: ClinVar variation 644286 (VCV000644286.9), dbSNP rs1593202242, ClinGen allele CA387767874.

ClinVar aggregate classification (germline): Uncertain significance. Review status: criteria provided, multiple submitters, no conflicts (2 of 4 stars). 2 submissions from 2 submitters: Uncertain significance (2). Last evaluated 2025-06-29.

Conditions:
Hereditary cancer-predisposing syndrome. Also called: Neoplastic Syndromes, Hereditary; Tumor predisposition; Hereditary neoplastic syndrome; Hereditary Cancer Syndrome. Identifiers: Orphanet 140162, MedGen C0027672, MeSH D009386, MONDO:0015356.
Hereditary breast ovarian cancer syndrome. Also called: Hereditary breast and ovarian cancer; Hereditary breast and ovarian cancer syndrome; Hereditary breast and ovarian cancer syndrome (HBOC); Hereditary breast and/or ovarian cancer syndrome; Breast and ovarian cancer; BRCA1- and BRCA2-Associated Hereditary Breast and Ovarian Cancer. Identifiers: Orphanet 145, MedGen C0677776, MeSH D061325, MONDO:0003582. Disease mechanism: loss of function.

Submissions (2):

Color Diagnostics, LLC DBA Color Health
Classification: Uncertain significance for Hereditary cancer-predisposing syndrome. Last evaluated: 2025-06-29. Review status: criteria provided, single submitter. Criteria: ACMG Guidelines, 2015. Collection method: clinical testing. Allele origin: germline.
Comment: This missense variant replaces glycine with arginine at codon 3355 of the BRCA2 protein. Computational prediction suggests that this variant may not impact protein structure and function. To our knowledge, functional studies have not been reported for this variant. This variant has not been reported in individuals affected with BRCA2-related disorders in the literature. This variant has not been identified in the general population by the Genome Aggregation Database (gnomAD). The available evidence is insufficient to determine the role of this variant in disease conclusively. Therefore, this variant is classified as a Variant of Uncertain Significance.

Labcorp Genetics (formerly Invitae), Labcorp
Classification: Uncertain significance for Hereditary breast ovarian cancer syndrome. Last evaluated: 2018-08-07. Review status: criteria provided, single submitter. Criteria: Invitae Variant Classification Sherloc (09022015). Collection method: clinical testing. Allele origin: germline.
Comment: In summary, the available evidence is currently insufficient to determine the role of this variant in disease. Therefore, it has been classified as a Variant of Uncertain Significance. Algorithms developed to predict the effect of missense changes on protein structure and function are either unavailable or do not agree on the potential impact of this missense change (SIFT: "Tolerated"; PolyPhen-2: "Possibly Damaging"; Align-GVGD: "Class C0"). This variant has not been reported in the literature in individuals with BRCA2-related disease. This variant is not present in population databases (ExAC no frequency). This sequence change replaces glycine with arginine at codon 3355 of the BRCA2 protein (p.Gly3355Arg). The glycine residue is moderately conserved and there is a moderate physicochemical difference between glycine and arginine.